The following is an entry in ClinVar:

ClinVar aggregate classification (germline): Pathogenic (1 of 4 stars; one submission).

Submission:

Labcorp Genetics (formerly Invitae), Labcorp
Classification: Pathogenic. Last evaluated: 2023-09-03. Review status: criteria provided, single submitter. Criteria: Invitae Variant Classification Sherloc (09022015). Collection method: clinical testing. Allele origin: unknown.
Comment: For these reasons, this variant has been classified as Pathogenic. This variant has not been reported in the literature in individuals affected with KIAA0556-related conditions. This variant is a gross deletion of the genomic region encompassing exon(s) 6-7 of the KIAA0556 gene. This deletion is out-of-frame, and is expected to create a premature termination codon and result in an absent or disrupted protein product. Loss-of-function variants in KIAA0556 are known to be pathogenic (PMID: 26714646, 27245168).

Literature cited by the submitters: PubMed 26714646; PubMed 27245168.

NC_000016.9:g.(?_27659905)_(27689337_?)del

Gene: KATNIP (katanin interacting protein; plus strand). Cytogenetic location: 16p12.1.
Variant type: Deletion.
Identifiers: ClinVar variation 3243650 (VCV003243650.1).